The following is an entry in ClinVar:

NM_138694.4(PKHD1):c.1774C>T (p.Arg592Ter)

Gene: PKHD1 (PKHD1 ciliary IPT domain containing fibrocystin/polyductin; minus strand). Cytogenetic location: 6p12.2.
Variant type: single nucleotide variant.
Coding change: c.1774C>T on transcript NM_138694.4 (MANE Select); coding-DNA position 1774, C replaced by T.
Protein change: p.Arg592Ter; replaces arginine 592 with a stop codon.
Molecular consequence: nonsense.
Genome position (GRCh38, 1-based): chr6:52,055,649, G>A on the plus strand (C>T on the coding strand, the complement: PKHD1 is on the minus strand). VCF-style: chr6-52055649-G-A. GRCh37 (hg19) VCF-style: chr6-51920447-G-A.
Other names: c.1774C>T, p.Arg592Ter (NM_170724.3); short protein forms R592*.
Identifiers: ClinVar variation 633358 (VCV000633358.22), dbSNP rs779050294, ClinGen allele CA3853450.

ClinVar aggregate classification (germline): Pathogenic/Likely pathogenic. Review status: criteria provided, multiple submitters, no conflicts (2 of 4 stars). 6 submissions from 6 submitters: Pathogenic (5); Likely pathogenic (1). Last evaluated 2025-10-17.

Conditions:
Autosomal recessive polycystic kidney disease (ARPKD). Also called: AR polycystic kidney disease. Identifiers: Orphanet 731, Orphanet 8378, MedGen C0085548, MeSH D017044, MONDO:0009889.
Polycystic kidney disease 4 (PKD4). Also called: POLYCYSTIC KIDNEY DISEASE 4 WITH OR WITHOUT POLYCYSTIC LIVER DISEASE; Autosomal Recessive Polycystic Kidney Disease – PKHD1; PKD3; POLYCYSTIC KIDNEY AND HEPATIC DISEASE 1; POLYCYSTIC KIDNEY DISEASE, INFANTILE, TYPE I. Identifiers: MedGen C4540575, MONDO:0033004, OMIM 263200.

Allele frequency attached by ClinVar (database versions not stated): gnomAD 0.00002 and 0.00003; TOPMed 0.00003; ExAC 0.00001; gnomAD exomes 0.00001.
gnomAD v4.1: 6 of 1,613,554 alleles (0.00037%); highest among the groups gnomAD compares: African/African-American, 0.0027%; no homozygotes.

Submissions (6):

Natera, Inc.
Classification: Pathogenic for Autosomal recessive polycystic kidney disease. Last evaluated: 2025-10-17. Review status: criteria provided, single submitter. Criteria: Natera Variant Classification Schema (03/2026). Collection method: clinical testing. Allele origin: germline.
Comment: The c.1774C>T variant in PKHD1 is a nonsense variant predicted to introduce a stop codon at amino acid 592. This variant is expected to result in nonsense mediated decay, truncation, or a dysfunctional protein product. This variant is rare in the general population with a frequency below the threshold expected for the associated phenotype(s). This variant has been observed in one or more individuals affected with the associated recessive disease, as either homozygous or compound heterozygous with a second variant (PMID: 39473742). Given the available evidence, this variant is classified as Pathogenic.

Women's Health and Genetics/Laboratory Corporation of America, LabCorp
Classification: Pathogenic for Autosomal recessive polycystic kidney disease. Last evaluated: 2022-10-17. Review status: criteria provided, single submitter. Criteria: LabCorp Variant Classification Summary - May 2015. Collection method: clinical testing. Allele origin: germline.
Comment: Variant summary: PKHD1 c.1774C>T (p.Arg592X) results in a premature termination codon, predicted to cause a truncation of the encoded protein or absence of the protein due to nonsense mediated decay, which are commonly known mechanisms for disease. Truncations downstream of this position have been classified as pathogenic by our laboratory. The variant allele was found at a frequency of 8e-06 in 250256 control chromosomes. c.1774C>T has been reported in the literature as biallelic compound heterozygous genotypes in multiple individuals affected with Polycystic Kidney And Hepatic Disease (example, Sharp_2005, Wojcik_2019, Hu_2018, Burgmaier_2021, Kucinska-Chahwan_2022). These data indicate that the variant is likely to be associated with disease. Four clinical diagnostic laboratories have submitted clinical-significance assessments for this variant to ClinVar after 2014 without evidence for independent evaluation. All laboratories classified the variant as pathogenic/likely pathogenic. Based on the evidence outlined above, the variant was classified as pathogenic.

Labcorp Genetics (formerly Invitae), Labcorp
Classification: Pathogenic for Autosomal recessive polycystic kidney disease. Last evaluated: 2022-08-04. Review status: criteria provided, single submitter. Criteria: Invitae Variant Classification Sherloc (09022015). Collection method: clinical testing. Allele origin: germline.
Comment: This sequence change creates a premature translational stop signal (p.Arg592*) in the PKHD1 gene. It is expected to result in an absent or disrupted protein product. Loss-of-function variants in PKHD1 are known to be pathogenic (PMID: 19940839). This variant is present in population databases (rs779050294, gnomAD 0.007%). This premature translational stop signal has been observed in individual(s) with autosomal recessive polycystic kidney disease (PMID: 15805161, 31395954). In at least one individual the data is consistent with being in trans (on the opposite chromosome) from a pathogenic variant. ClinVar contains an entry for this variant (Variation ID: 633358). For these reasons, this variant has been classified as Pathogenic.

GeneDx
Classification: Pathogenic. Last evaluated: 2022-05-18. Review status: criteria provided, single submitter. Criteria: GeneDx Variant Classification Process June 2021. Collection method: clinical testing. Allele origin: germline. Affected: yes.
Comment: Nonsense variant predicted to result in protein truncation or nonsense mediated decay in a gene for which loss-of-function is a known mechanism of disease; Not observed at a significant frequency in large population cohorts (gnomAD); This variant is associated with the following publications: (PMID: 25525159, 12874454, 31395954, 15805161)

Fulgent Genetics
Classification: Likely pathogenic for Polycystic kidney disease 4. Last evaluated: 2022-03-03. Review status: criteria provided, single submitter. Criteria: ACMG Guidelines, 2015. Collection method: clinical testing. Allele origin: unknown.

Mayo Clinic Laboratories, Mayo Clinic
Classification: Pathogenic. Last evaluated: 2020-04-24. Review status: criteria provided, single submitter. Criteria: ACMG Guidelines, 2015. Collection method: clinical testing. Allele origin: germline. Observed: 1 variant allele.
Comment: PM2, PVS1

Literature cited by the submitters: PubMed 39473742 (cited by Natera, Inc.); PubMed 15805161 (cited by Women's Health and Genetics/Laboratory Corporation of America, LabCorp and Labcorp Genetics (formerly Invitae), Labcorp); PubMed 25525159 (cited by Women's Health and Genetics/Laboratory Corporation of America, LabCorp); PubMed 31395954 (cited by Women's Health and Genetics/Laboratory Corporation of America, LabCorp and Labcorp Genetics (formerly Invitae), Labcorp); PubMed 33940108 (cited by Women's Health and Genetics/Laboratory Corporation of America, LabCorp); PubMed 29095814 (cited by Women's Health and Genetics/Laboratory Corporation of America, LabCorp); PubMed 35627109 (cited by Women's Health and Genetics/Laboratory Corporation of America, LabCorp); PubMed 19940839 (cited by Labcorp Genetics (formerly Invitae), Labcorp).